The following is an entry in ClinVar:

ClinVar aggregate classification (germline): Conflicting classifications of pathogenicity. Review status: criteria provided, conflicting classifications (1 of 4 stars). 3 submissions from 3 submitters: Likely pathogenic (2); Uncertain significance (1). Last evaluated 2024-12-18.

Conditions:
Maturity-onset diabetes of the young type 1. Also called: MODY type 1; Diabetes mellitus MODY type 1; MODY HNF4A related; HNF4A-Related Maturity-Onset Diabetes of the Young Type 1; MODY, type I; MILD JUVENILE DIABETES MELLITUS. Identifiers: Orphanet 552, MedGen C1852093, MONDO:0007452, OMIM 125850. Disease mechanism: loss of function.

Allele frequency attached by ClinVar (database versions not stated): gnomAD exomes below 0.00001.
gnomAD v4.1: 1 of 1,613,938 alleles (0.000062%); highest among the groups gnomAD compares: Non-Finnish European, 0.000085%; no homozygotes.

Submissions (3):

GeneDx
Classification: Uncertain significance. Last evaluated: 2024-12-18. Review status: criteria provided, single submitter. Criteria: GeneDx Variant Classification Process June 2021. Collection method: clinical testing. Allele origin: germline. Affected: yes.
Comment: Reported in association with MODY in the published literature; however, detailed clinical information was not provided (PMID: 23348805); In silico analysis supports that this missense variant has a deleterious effect on protein structure/function; Not observed at significant frequency in large population cohorts (gnomAD); This variant is associated with the following publications: (PMID: 23348805, 36257325)

Geisinger Clinic, Geisinger Health System
Classification: Likely pathogenic for Maturity-onset diabetes of the young type 1. Last evaluated: 2022-08-02. Review status: criteria provided, single submitter. Criteria: ACMG Guidelines, 2015. Collection method: research. Allele origin: germline. Inheritance: Autosomal dominant inheritance. Affected: yes. Observed: 1 variant allele.
Comment: PP3, PM2, PP4_Moderate, PP1

Genetic Services Laboratory, University of Chicago
Classification: Likely pathogenic. Last evaluated: 2021-02-12. Review status: criteria provided, single submitter. Criteria: ACMG Guidelines, 2015. Collection method: clinical testing. Allele origin: germline. Affected: yes.

Literature cited by the submitters: PubMed 36257325 (cited by Geisinger Clinic, Geisinger Health System).

NM_175914.5(HNF4A):c.614A>C (p.His205Pro)

Gene: HNF4A (hepatocyte nuclear factor 4 alpha; plus strand). Cytogenetic location: 20q13.12.
Variant type: single nucleotide variant.
Coding change: c.614A>C on transcript NM_175914.5 (MANE Select); coding-DNA position 614, A replaced by C.
Protein change: p.His205Pro; replaces histidine 205 with proline.
Molecular consequence: missense variant.
Genome position (GRCh38, 1-based): chr20:44,418,456, A>C. VCF-style: chr20-44418456-A-C. GRCh37 (hg19) VCF-style: chr20-43047096-A-C.
Other names: c.614A>C (NM_175914.3); c.680A>C, p.His227Pro (NM_000457.6, NM_178849.3, NM_178850.3); c.614A>C, p.His205Pro (NM_001030003.3, NM_001030004.3); c.659A>C, p.His220Pro (NM_001258355.2); c.605A>C, p.His202Pro (NM_001287182.2, NM_001287183.2, NM_001287184.2); short protein forms H202P, H205P, H220P, H227P.
Identifiers: ClinVar variation 1338628 (VCV001338628.13), dbSNP rs2146438016, ClinGen allele CA409106846.
Genomic context (GRCh38, chr20:44,418,456, plus strand): 5'-TGGCAAACACTGTTCCTTCTCTCTTTCAGGTGGCCCTGCTCAGAGCCCATGCTGGCGAGC[A>C]CCTGCTGCTCGGAGCCACCAAGAGATCCATGGTGTTCAAGGACGTGCTGCTCCTAGGTGA-3'
Protein context (NP_787110.2, residues 195-215): VALLRAHAGE[His205Pro]LLLGATKRSM